The following is an entry in ClinVar:

NM_020754.4(ARHGAP31):c.3526C>T (p.Arg1176Cys)

Gene: ARHGAP31 (Rho GTPase activating protein 31; plus strand). Cytogenetic location: 3q13.33.
Variant type: single nucleotide variant.
Coding change: c.3526C>T on transcript NM_020754.4 (MANE Select); coding-DNA position 3526, C replaced by T.
Protein change: p.Arg1176Cys; replaces arginine 1176 with cysteine.
Molecular consequence: missense variant.
Genome position (GRCh38, 1-based): chr3:119,415,455, C>T. VCF-style: chr3-119415455-C-T. GRCh37 (hg19) VCF-style: chr3-119134302-C-T.
Other names: short protein forms R1176C.
Identifiers: ClinVar variation 1445570 (VCV001445570.7), dbSNP rs756647176, ClinGen allele CA354059115.

ClinVar aggregate classification (germline): Uncertain significance (1 of 4 stars; one submission).

Allele frequency attached by ClinVar (database versions not stated): TOPMed below 0.00001.
gnomAD v4.1: 24 of 1,614,034 alleles (0.0015%); highest among the groups gnomAD compares: Admixed American, 0.0017%; no homozygotes.

Submission:

Labcorp Genetics (formerly Invitae), Labcorp
Classification: Uncertain significance. Last evaluated: 2025-04-19. Review status: criteria provided, single submitter. Criteria: Invitae Variant Classification Sherloc (09022015). Collection method: clinical testing. Allele origin: germline.
Comment: This sequence change replaces arginine, which is basic and polar, with cysteine, which is neutral and slightly polar, at codon 1176 of the ARHGAP31 protein (p.Arg1176Cys). This variant is present in population databases (no rsID available, gnomAD 0.003%). This variant has not been reported in the literature in individuals affected with ARHGAP31-related conditions. ClinVar contains an entry for this variant (Variation ID: 1445570). An algorithm developed to predict the effect of missense changes on protein structure and function (PolyPhen-2) suggests that this variant is likely to be disruptive. In summary, the available evidence is currently insufficient to determine the role of this variant in disease. Therefore, it has been classified as a Variant of Uncertain Significance.